The following is an entry in ClinVar:

NM_001324418.2(ADAM22):c.830A>G (p.Tyr277Cys)

Gene: ADAM22 (ADAM metallopeptidase domain 22; plus strand). Cytogenetic location: 7q21.12.
Variant type: single nucleotide variant.
Coding change: c.830A>G on transcript NM_001324418.2 (MANE Select); coding-DNA position 830, A replaced by G.
Protein change: p.Tyr277Cys; replaces tyrosine 277 with cysteine.
Molecular consequence: missense variant.
Genome position (GRCh38, 1-based): chr7:88,131,273, A>G. VCF-style: chr7-88131273-A-G. GRCh37 (hg19) VCF-style: chr7-87760588-A-G.
Other names: c.806A>G, p.Tyr269Cys (NM_001391982.1); c.830A>G, p.Tyr277Cys (NM_004194.5, NM_016351.6, NM_021721.5 and 6 more transcripts); c.827A>G, p.Tyr276Cys (NM_001324417.2, NM_001324419.2, NM_001391978.1 and 2 more transcripts); c.881A>G, p.Tyr294Cys (NM_001391975.1, NM_001391980.1); short protein forms Y269C, Y276C, Y277C, Y294C.
Identifiers: ClinVar variation 3382455 (VCV003382455.2).
Genomic context (GRCh38, chr7:88,131,273, plus strand): 5'-AACTATTTGATTTTACCACATGTACAGCTGATGTGTTCATTTTATTAATATACTAGATAT[A>G]TAAAGACCAACTTAAGACCAGGATAGTATTGGTTGCTATGGAAACCTGGGCGACTGACAA-3'
Protein context (NP_001311347.1, residues 267-287): KSVVNMADLI[Tyr277Cys]KDQLKTRIVL

ClinVar aggregate classification (germline): Uncertain significance (1 of 4 stars; one submission).

Conditions:
Developmental and epileptic encephalopathy, 61. Also called: Early infantile epileptic encephalopathy 61. Identifiers: MedGen C4693688, MONDO:0033370, OMIM 617933.

gnomAD v4.1: 1 of 1,613,128 alleles (0.000062%); highest among the groups gnomAD compares: East Asian, 0.0022%; no homozygotes.

Submission:

Juno Genomics, Hangzhou Juno Genomics, Inc
Classification: Uncertain significance for Developmental and epileptic encephalopathy, 61. Review status: criteria provided, single submitter. Criteria: ACMG Guidelines, 2015. Collection method: clinical testing. Allele origin: germline. Affected: yes.
Comment: Absent from controls (or at extremely low frequency if recessive) in Genome Aggregation Database, Exome Sequencing Project, 1000 Genomes Project, or Exome Aggregation Consortium.;Multiple lines of computational evidence support a deleterious effect on the gene or gene product (conservation, evolutionary, splicing impact, etc).